The following is an entry in ClinVar:

NM_000535.7(PMS2):c.1857C>A (p.Asp619Glu)

Gene: PMS2 (PMS1 homolog 2, mismatch repair system component; minus strand). Cytogenetic location: 7p22.1.
Variant type: single nucleotide variant.
Coding change: c.1857C>A on transcript NM_000535.7 (MANE Select); coding-DNA position 1857, C replaced by A.
Protein change: p.Asp619Glu; replaces aspartic acid 619 with glutamic acid.
Molecular consequence: missense variant. On other transcripts: non-coding transcript variant (1).
Genome position (GRCh38, 1-based): chr7:5,986,908, G>T on the plus strand (C>A on the coding strand, the complement: PMS2 is on the minus strand). VCF-style: chr7-5986908-G-T. GRCh37 (hg19) VCF-style: chr7-6026539-G-T.
Other names: c.1452C>A, p.Asp484Glu (NM_001322003.2, NM_001322004.2, NM_001322005.2 and 1 more transcripts); c.1701C>A, p.Asp567Glu (NM_001322006.2); c.1539C>A, p.Asp513Glu (NM_001322007.2, NM_001322008.2); c.1296C>A, p.Asp432Glu (NM_001322010.2); c.924C>A, p.Asp308Glu (NM_001322011.2, NM_001322012.2); c.1284C>A, p.Asp428Glu (NM_001322013.2); c.1857C>A, p.Asp619Glu (NM_001322014.2); c.1548C>A, p.Asp516Glu (NM_001322015.2); short protein forms D619E, D432E, D567E, D308E, D484E, D513E, D428E, D516E.
Identifiers: ClinVar variation 234875 (VCV000234875.18), dbSNP rs876661271, ClinGen allele CA10577339.

ClinVar aggregate classification (germline): Conflicting classifications of pathogenicity. Review status: criteria provided, conflicting classifications (1 of 4 stars). 4 submissions from 4 submitters: Uncertain significance (3); Likely benign (1). Last evaluated 2026-08-17.

Conditions:
Hereditary nonpolyposis colorectal neoplasms. Identifiers: MedGen C0009405, MeSH D003123.
Hereditary cancer-predisposing syndrome. Also called: Tumor predisposition; Neoplastic Syndromes, Hereditary; Hereditary Cancer Syndrome; Hereditary neoplastic syndrome. Identifiers: Orphanet 140162, MedGen C0027672, MeSH D009386, MONDO:0015356.

Allele frequency attached by ClinVar (database versions not stated): gnomAD exomes below 0.00001.

Submissions (4):

Ambry Genetics
Classification: Likely benign for Hereditary cancer-predisposing syndrome. Last evaluated: 2026-08-17. Review status: criteria provided, single submitter. Criteria: Ambry Variant Classification Scheme 2023. Collection method: clinical testing. Allele origin: germline.

Labcorp Genetics (formerly Invitae), Labcorp
Classification: Uncertain significance for Hereditary nonpolyposis colorectal neoplasms. Last evaluated: 2025-04-07. Review status: criteria provided, single submitter. Criteria: Invitae Variant Classification Sherloc (09022015). Collection method: clinical testing. Allele origin: germline.
Comment: This sequence change replaces aspartic acid, which is acidic and polar, with glutamic acid, which is acidic and polar, at codon 619 of the PMS2 protein (p.Asp619Glu). This variant is not present in population databases (gnomAD no frequency). This variant has not been reported in the literature in individuals affected with PMS2-related conditions. ClinVar contains an entry for this variant (Variation ID: 234875). Invitae Evidence Modeling incorporating data from in vitro experimental studies (internal data) indicates that this missense variant is not expected to disrupt PMS2 function with a negative predictive value of 95%. In summary, the available evidence is currently insufficient to determine the role of this variant in disease. Therefore, it has been classified as a Variant of Uncertain Significance.

Color Diagnostics, LLC DBA Color Health
Classification: Uncertain significance for Hereditary cancer-predisposing syndrome. Last evaluated: 2023-08-15. Review status: criteria provided, single submitter. Criteria: ACMG Guidelines, 2015. Collection method: clinical testing. Allele origin: germline.
Comment: This missense variant replaces aspartic acid with glutamic acid at codon 619 of the PMS2 protein. Computational prediction suggests that this variant may not impact protein structure and function (internally defined REVEL score threshold <= 0.5, PMID: 27666373). To our knowledge, functional studies have not been reported for this variant. This variant has not been reported in individuals affected with PMS2-related disorders in the literature. This variant has not been identified in the general population by the Genome Aggregation Database (gnomAD). The available evidence is insufficient to determine the role of this variant in disease conclusively. Therefore, this variant is classified as a Variant of Uncertain Significance.

GeneDx
Classification: Uncertain significance. Last evaluated: 2016-03-02. Review status: criteria provided, single submitter. Criteria: GeneDx Variant Classification (06012015). Collection method: clinical testing. Allele origin: germline. Affected: yes.
Comment: This variant is denoted PMS2 c.1857C>A at the cDNA level, p.Asp619Glu (D619E) at the protein level, and results in the change of an Aspartic Acid to a Glutamic Acid (GAC>GAA). This variant has not, to our knowledge, been published in the literature as pathogenic or benign. PMS2 Asp619Glu was not observed in approximately 6,500 individuals of European and African American ancestry in the NHLBI Exome Sequencing Project, suggesting it is not a common benign variant in these populations. Since Aspartic Acid and Glutamic Acid share similar properties, this is considered a conservative amino acid substitution. PMS2 Asp619Glu occurs at a position that is not conserved and is not located in a known functional domain (Fukui 2011). In silico analyses predict that this variant is unlikely to alter protein structure or function. Based on currently available evidence, it is unclear whether PMS2 Asp619Glu is a pathogenic or benign variant. We consider it to be a variant of uncertain significance.